The following is an entry in ClinVar:

NM_177438.3(DICER1):c.2322A>G (p.Gly774=)

Gene: DICER1 (dicer 1, ribonuclease III; minus strand). Cytogenetic location: 14q32.13.
Variant type: single nucleotide variant.
Coding change: c.2322A>G on transcript NM_177438.3 (MANE Select); coding-DNA position 2322, A replaced by G.
Protein change: p.Gly774=; no amino-acid change (glycine 774 retained).
Molecular consequence: synonymous variant.
Genome position (GRCh38, 1-based): chr14:95,108,438, T>C on the plus strand (A>G on the coding strand, the complement: DICER1 is on the minus strand). VCF-style: chr14-95108438-T-C. GRCh37 (hg19) VCF-style: chr14-95574775-T-C.
Other names: c.2322A>G, p.Gly774= (NM_001195573.1, NM_001271282.3, NM_001291628.2 and 1 more transcripts).
Identifiers: ClinVar variation 477097 (VCV000477097.19), dbSNP rs771154371, ClinGen allele CA7331255.

ClinVar aggregate classification (germline): Benign/Likely benign. Review status: criteria provided, multiple submitters, no conflicts (2 of 4 stars). 4 submissions from 4 submitters: Benign (1); Likely benign (3). Last evaluated 2026-04-16.

Conditions:
Hereditary cancer-predisposing syndrome. Also called: Hereditary neoplastic syndrome; Neoplastic Syndromes, Hereditary; Hereditary Cancer Syndrome; Tumor predisposition. Identifiers: Orphanet 140162, MedGen C0027672, MeSH D009386, MONDO:0015356.
DICER1-related tumor predisposition. Also called: DICER1-related pleuropulmonary blastoma cancer predisposition syndrome; DICER1 syndrome. Identifiers: Orphanet 284343, MedGen C3839822, MONDO:0100216.

Allele frequency attached by ClinVar (database versions not stated): TOPMed 0.00001; gnomAD exomes 0.00002 and 0.00001; ExAC 0.00002.

Submissions (4):

Myriad Genetics, Inc.
Classification: Benign for DICER1-related tumor predisposition. Last evaluated: 2026-04-16. Review status: criteria provided, single submitter. Criteria: Myriad Autosomal Dominant, Autosomal Recessive and X-Linked Classification Criteria (2023). Collection method: clinical testing. Allele origin: unknown.
Comment: This variant is considered benign. This variant is a silent/synonymous amino acid change and it is not expected to impact splicing.

Labcorp Genetics (formerly Invitae), Labcorp
Classification: Likely benign for DICER1-related tumor predisposition. Last evaluated: 2025-10-02. Review status: criteria provided, single submitter. Criteria: Invitae Variant Classification Sherloc (09022015). Collection method: clinical testing. Allele origin: germline.

Hereditary Cancer Group, L’Institut d'Investigació Biomèdica de Bellvitge
Classification: Likely benign for Hereditary cancer-predisposing syndrome. Last evaluated: 2024-12-19. Review status: criteria provided, single submitter. Criteria: Hatton et al. (Hum Mutat. 2023). Collection method: clinical testing. Allele origin: germline. Inheritance: Autosomal dominant inheritance. Affected: yes.
Comment: BP4, BP7

Ambry Genetics
Classification: Likely benign for Hereditary cancer-predisposing syndrome. Last evaluated: 2016-11-23. Review status: criteria provided, single submitter. Criteria: Ambry Variant Classification Scheme 2023. Collection method: clinical testing. Allele origin: germline.